The following is an entry in ClinVar:

ClinVar aggregate classification (germline): Uncertain significance (1 of 4 stars; one submission).

Submission:

GeneDx
Classification: Uncertain significance. Last evaluated: 2026-04-09. Review status: criteria provided, single submitter. Criteria: GeneDx Variant Classification Process June 2021. Collection method: clinical testing. Allele origin: germline.
Comment: Intronic +5 splice site variant in a gene for which loss of function is a known mechanism of disease, and both splice predictors and evolutionary conservation support a deleterious effect, although in the absence of functional evidence the actual effect of this sequence change is unknown.; Not observed at significant frequency in large population cohorts (gnomAD); Has not been previously published as pathogenic or benign to our knowledge

NM_004444.5(EPHB4):c.1297+5G>C

Gene: EPHB4 (EPH receptor B4; minus strand). Cytogenetic location: 7q22.1.
Variant type: single nucleotide variant.
Coding change: c.1297+5G>C on transcript NM_004444.5 (MANE Select); 5 bases into the intron after coding-DNA position 1297, G replaced by C.
Molecular consequence: intron variant.
Genome position (GRCh38, 1-based): chr7:100,819,552, C>G on the plus strand (G>C on the coding strand, the complement: EPHB4 is on the minus strand). VCF-style: chr7-100819552-C-G. GRCh37 (hg19) VCF-style: chr7-100417174-C-G.
Identifiers: ClinVar variation 5018379 (VCV005018379.1).